The following is an entry in ClinVar:

ClinVar aggregate classification (germline): Benign. Review status: criteria provided, single submitter (1 of 4 stars). 2 submissions from 2 submitters: Benign (1). 1 of the submissions does not count toward it. Last evaluated 2024-11-27.

Conditions:
REV3L-related disorder. Also called: REV3L-related condition.

Allele frequency attached by ClinVar (database versions not stated): 1000 Genomes Project 30x 0.34760; 1000 Genomes Project 0.35423; TOPMed 0.38024; ESP Exome Variant Server 0.39449; gnomAD 0.39780; ExAC 0.47096; gnomAD exomes 0.52225.
gnomAD v4.1: 821,852 of 1,613,462 alleles (51%); highest among the groups gnomAD compares: Non-Finnish European, 55%; 218,103 homozygotes.

Submissions (2):

Blueprint Genetics
Classification: Benign. Last evaluated: 2024-11-27. Review status: criteria provided, single submitter. Criteria: ACMG Guidelines, 2015. Collection method: clinical testing. Allele origin: germline.

PreventionGenetics, part of Exact Sciences
Classification: Benign for REV3L-related condition. Last evaluated: 2019-06-07. Review status: no assertion criteria provided. Collection method: clinical testing. Allele origin: germline. Not counted in ClinVar's aggregate classification.
Comment: This variant is classified as benign based on ACMG/AMP sequence variant interpretation guidelines (Richards et al. 2015 PMID: 25741868, with internal and published modifications).

NM_001372078.1(REV3L):c.2706A>G (p.Gly902=)

Gene: REV3L (REV3 like, DNA directed polymerase zeta catalytic subunit; minus strand). Cytogenetic location: 6q21.
Variant type: single nucleotide variant.
Coding change: c.2706A>G on transcript NM_001372078.1 (MANE Select); coding-DNA position 2706, A replaced by G.
Protein change: p.Gly902=; no amino-acid change (glycine 902 retained).
Molecular consequence: synonymous variant.
Genome position (GRCh38, 1-based): chr6:111,375,649, T>C on the plus strand (A>G on the coding strand, the complement: REV3L is on the minus strand). VCF-style: chr6-111375649-T-C. GRCh37 (hg19) VCF-style: chr6-111696852-T-C.
Other names: c.2472A>G, p.Gly824= (NM_001286431.2, NM_001286432.2); c.2706A>G, p.Gly902= (NM_002912.5).
Identifiers: ClinVar variation 3059727 (VCV003059727.3), dbSNP rs458486, ClinGen allele CA3962327.
Genomic context (GRCh38, chr6:111,375,649, plus strand): 5'-TTTGGCTCTAAGTGTGTATTTATTTCCATATAGTCCAAAGGACTGCTCAGTTTCTAACGT[T>C]CCATCTCCAAAGTGACAGTCTATAAAACCATCTGTGGGTGTTTTATTTTCAAAAGCTCCA-3'
Protein context (NP_001359007.1, residues 892-912): DGFIDCHFGD[Gly902=]TLETEQSFGL